The following is an entry in ClinVar:

NM_004304.5(ALK):c.829T>G (p.Ser277Ala)

Gene: ALK (ALK receptor tyrosine kinase; minus strand). Cytogenetic location: 2p23.2.
Variant type: single nucleotide variant.
Coding change: c.829T>G on transcript NM_004304.5 (MANE Select); coding-DNA position 829, T replaced by G.
Protein change: p.Ser277Ala; replaces serine 277 with alanine.
Molecular consequence: missense variant.
Genome position (GRCh38, 1-based): chr2:29,694,973, A>C on the plus strand (T>G on the coding strand, the complement: ALK is on the minus strand). VCF-style: chr2-29694973-A-C. GRCh37 (hg19) VCF-style: chr2-29917839-A-C.
Other names: short protein forms S277A.
Identifiers: ClinVar variation 4542907 (VCV004542907.1).

ClinVar aggregate classification (germline): Uncertain significance (1 of 4 stars; one submission).

Conditions:
Hereditary cancer-predisposing syndrome. Also called: Tumor predisposition; Hereditary Cancer Syndrome; Hereditary neoplastic syndrome; Neoplastic Syndromes, Hereditary. Identifiers: Orphanet 140162, MedGen C0027672, MeSH D009386, MONDO:0015356.

gnomAD v4.1: 1 of 1,614,002 alleles (0.000062%); highest among the groups gnomAD compares: Non-Finnish European, 0.000085%; no homozygotes.

Submission:

Ambry Genetics
Classification: Uncertain significance for Hereditary cancer-predisposing syndrome. Last evaluated: 2025-11-26. Review status: criteria provided, single submitter. Criteria: Ambry Variant Classification Scheme 2023. Collection method: clinical testing. Allele origin: germline.
Comment: The p.S277A variant (also known as c.829T>G), located in coding exon 3 of the ALK gene, results from a T to G substitution at nucleotide position 829. The serine at codon 277 is replaced by alanine, an amino acid with similar properties. This amino acid position is conserved. In addition, this alteration is predicted to be tolerated by in silico analysis. Based on the available evidence, the clinical significance of this variant remains unclear.